The following is an entry in ClinVar:

NM_000155.4(GALT):c.956A>G (p.His319Arg)

Gene: GALT (galactose-1-phosphate uridylyltransferase; plus strand). Cytogenetic location: 9p13.3.
Variant type: single nucleotide variant.
Coding change: c.956A>G on transcript NM_000155.4 (MANE Select); coding-DNA position 956, A replaced by G.
Protein change: p.His319Arg; replaces histidine 319 with arginine.
Molecular consequence: missense variant.
Genome position (GRCh38, 1-based): chr9:34,649,461, A>G. VCF-style: chr9-34649461-A-G. GRCh37 (hg19) VCF-style: chr9-34649458-A-G.
Other names: c.629A>G, p.His210Arg (NM_001258332.2); short protein forms H210R, H319R.
Identifiers: ClinVar variation 4689135 (VCV004689135.1).
Genomic context (GRCh38, chr9:34,649,461, plus strand): 5'-TTCTGTCAGGGGCTCCCACAGGATCAGAGGCTGGGGCCAACTGGAACCATTGGCAGCTGC[A>G]CGCTCATTACTACCCTCCGCTCCTGCGCTCTGCCACTGTCCGGAAATTCATGGTTGGCTA-3'
Protein context (NP_000146.2, residues 309-329): AGANWNHWQL[His319Arg]AHYYPPLLRS

ClinVar aggregate classification (germline): Uncertain significance (1 of 4 stars; one submission).

Submission:

Women's Health and Genetics/Laboratory Corporation of America, LabCorp
Classification: Uncertain significance. Last evaluated: 2026-01-28. Review status: criteria provided, single submitter. Criteria: LabCorp Variant Classification Summary - May 2015. Collection method: clinical testing. Allele origin: germline.
Comment: Variant summary: GALT c.956A>G (p.His319Arg) results in a non-conservative amino acid change in the encoded protein sequence. Algorithms developed to predict the effect of missense changes on protein structure and function all suggest that this variant is likely to be disruptive. The variant was absent in 251456 control chromosomes. The available data on variant occurrences in the general population are insufficient to allow any conclusion about variant significance. To our knowledge, no occurrence of c.956A>G in individuals affected with GALT-related conditions and no experimental evidence demonstrating its impact on protein function have been reported. No submitters have cited clinical-significance assessments for this variant to ClinVar. Based on the evidence outlined above, the variant was classified as uncertain significance.